The following is an entry in ClinVar:

NM_001330360.2(POLA1):c.249C>G (p.Asp83Glu)

Gene: POLA1 (DNA polymerase alpha 1, catalytic subunit; plus strand). Cytogenetic location: Xp22.11.
Variant type: single nucleotide variant.
Coding change: c.249C>G on transcript NM_001330360.2 (MANE Select); coding-DNA position 249, C replaced by G.
Protein change: p.Asp83Glu; replaces aspartic acid 83 with glutamic acid.
Molecular consequence: missense variant. On other transcripts: non-coding transcript variant (1).
Genome position (GRCh38, 1-based): chrX:24,703,331, C>G. VCF-style: chrX-24703331-C-G. GRCh37 (hg19) VCF-style: chrX-24721448-C-G.
Other names: c.231C>G, p.Asp77Glu (NM_016937.4); c.249C>G, p.Asp83Glu (NM_001378303.1); short protein forms D77E, D83E.
Identifiers: ClinVar variation 3899719 (VCV003899719.1).
Genomic context (GRCh38, chrX:24,703,331, plus strand): 5'-TTATGAAGAAGTTGATGAAGAACAGTATTCGAAGCTGGTTCAGGCACGCCAGGATGATGA[C>G]TGGATTGTGGATGATGGTAGGTGGGGCGGAGGTGGGGGCGGGGATGTTGCTTCCTAGGCA-3'
Protein context (NP_001317289.1, residues 73-93): SKLVQARQDD[Asp83Glu]WIVDDDGIGY

ClinVar aggregate classification (germline): Uncertain significance (1 of 4 stars; one submission).

Submission:

GeneDx
Classification: Uncertain significance. Last evaluated: 2024-11-15. Review status: criteria provided, single submitter. Criteria: GeneDx Variant Classification Process June 2021. Collection method: clinical testing. Allele origin: germline. Affected: yes.
Comment: Not observed at significant frequency in large population cohorts (gnomAD); In silico analysis supports that this missense variant has a deleterious effect on protein structure/function; Has not been previously published as pathogenic or benign to our knowledge